The following is an entry in ClinVar:

ClinVar aggregate classification (germline): Likely pathogenic (1 of 4 stars; one submission).

Submission:

GeneDx
Classification: Likely pathogenic. Last evaluated: 2022-04-07. Review status: criteria provided, single submitter. Criteria: GeneDx Variant Classification Process June 2021. Collection method: clinical testing. Allele origin: germline. Affected: yes.
Comment: Canonical splice site variant expected to result in aberrant splicing, although in the absence of functional evidence the actual effect of this sequence change is unknown; Not observed at significant frequency in large population cohorts (gnomAD); This variant is associated with the following publications: (PMID: 33594928, 28656292)

NM_194277.3(FRMD7):c.57+1G>A

Gene: FRMD7 (FERM domain containing 7; minus strand). Cytogenetic location: Xq26.2.
Variant type: single nucleotide variant.
Coding change: c.57+1G>A on transcript NM_194277.3 (MANE Select); the canonical splice donor site of the intron after coding-DNA position 57, G replaced by A.
Molecular consequence: splice donor variant.
Genome position (GRCh38, 1-based): chrX:132,127,787, C>T on the plus strand (G>A on the coding strand, the complement: FRMD7 is on the minus strand). VCF-style: chrX-132127787-C-T. GRCh37 (hg19) VCF-style: chrX-131261815-C-T.
Other names: c.57+1G>A (NM_001306193.2).
Identifiers: ClinVar variation 1708861 (VCV001708861.2), dbSNP rs2520938847, ClinGen allele CA414677050.